The following is an entry in ClinVar:

ClinVar aggregate classification (germline): Uncertain significance. Review status: criteria provided, multiple submitters, no conflicts (2 of 4 stars). 3 submissions from 3 submitters: Uncertain significance (3). Last evaluated 2026-04-01.

Conditions:
Cardiovascular phenotype. Identifiers: MedGen CN230736.
Hypertrophic cardiomyopathy. Also called: HYPERTROPHIC MYOCARDIOPATHY. Identifiers: Orphanet 217569, MedGen C0007194, MeSH D002312, MONDO:0005045, HP:0001639.
Cardiomyopathy (CMYO). Also called: Cardiomyopathies. Identifiers: Orphanet 167848, MedGen C0878544, MONDO:0004994, HP:0001638. Inheritance: Various modes of inheritance.

Allele frequency attached by ClinVar (database versions not stated): gnomAD 0.00001; TOPMed below 0.00001.

Submissions (3):

Ambry Genetics
Classification: Uncertain significance for Cardiovascular phenotype. Last evaluated: 2026-04-01. Review status: criteria provided, single submitter. Criteria: Ambry Variant Classification Scheme 2023. Collection method: clinical testing. Allele origin: germline.
Comment: The p.S1710R variant (also known as c.5130T>G), located in coding exon 33 of the MYH7 gene, results from a T to G substitution at nucleotide position 5130. The serine at codon 1710 is replaced by arginine, an amino acid with dissimilar properties. This amino acid position is well conserved in available vertebrate species. In addition, the in silico prediction for this alteration is inconclusive. Based on the available evidence, the clinical significance of this variant remains unclear.

All of Us Research Program, National Institutes of Health
Classification: Uncertain significance for Cardiomyopathy. Last evaluated: 2023-06-26. Review status: criteria provided, single submitter. Criteria: ACMG Guidelines, 2015. Collection method: clinical testing. Allele origin: germline. Inheritance: Autosomal dominant inheritance. Observed: 1 variant allele, 1 heterozygote.
Comment: This missense variant replaces serine with arginine at codon 1710 of the MYH7 protein. Computational prediction is inconclusive regarding the impact of this variant on protein structure and function (internally defined REVEL score threshold 0.5 < inconclusive < 0.7, PMID: 27666373). To our knowledge, functional studies have not been reported for this variant. This variant has not been reported in individuals affected with MYH7-related disorders in the literature. This variant has been identified in 1/251048 chromosomes in the general population by the Genome Aggregation Database (gnomAD). The available evidence is insufficient to determine the role of this variant in disease conclusively. Therefore, this variant is classified as a Variant of Uncertain Significance.

This study involves interpretation of variants in research participants for the purpose of population health screening. Participant phenotype was not available at the time of variant classification. Additional details can be found in publication PMID: 35346344, PMCID: PMC8962531

Labcorp Genetics (formerly Invitae), Labcorp
Classification: Uncertain significance for Hypertrophic cardiomyopathy. Last evaluated: 2021-10-27. Review status: criteria provided, single submitter. Criteria: Invitae Variant Classification Sherloc (09022015). Collection method: clinical testing. Allele origin: germline.
Comment: In summary, the available evidence is currently insufficient to determine the role of this variant in disease. Therefore, it has been classified as a Variant of Uncertain Significance. Algorithms developed to predict the effect of missense changes on protein structure and function are either unavailable or do not agree on the potential impact of this missense change (SIFT: "Deleterious"; PolyPhen-2: "Benign"; Align-GVGD: "Class C0"). This variant has not been reported in the literature in individuals affected with MYH7-related conditions. This variant is present in population databases (rs771954434, gnomAD 0.0009%). This sequence change replaces serine, a(n) neutral and polar amino acid, with arginine, a(n) basic and polar amino acid, at codon 1710 of the MYH7 protein (p.Ser1710Arg).

NM_000257.4(MYH7):c.5130T>G (p.Ser1710Arg)

Genes: MHRT (myosin heavy chain associated RNA transcript; plus strand), MYH7 (myosin heavy chain 7; minus strand), LOC126861897 (BRD4-independent group 4 enhancer GRCh37_chr14:23884455-23885654; plus strand). Cytogenetic location: 14q11.2.
Variant type: single nucleotide variant.
Coding change: c.5130T>G on transcript NM_000257.4 (MANE Select); coding-DNA position 5130, T replaced by G.
Protein change: p.Ser1710Arg; replaces serine 1710 with arginine.
Molecular consequence: missense variant. On other transcripts: non-coding transcript variant (1).
Genome position (GRCh38, 1-based): chr14:23,415,656, A>C on the plus strand (T>G on the coding strand, the complement: MYH7 is on the minus strand). VCF-style: chr14-23415656-A-C. GRCh37 (hg19) VCF-style: chr14-23884865-A-C.
Other names: short protein forms S1710R.
Identifiers: ClinVar variation 1365141 (VCV001365141.8), dbSNP rs771954434, ClinGen allele CA045393.